The following is an entry in ClinVar:

ClinVar aggregate classification (germline): Uncertain significance (1 of 4 stars; one submission).

Submissions (3):

Centre for Mendelian Genomics, University Medical Centre Ljubljana
Classification: Uncertain significance. Last evaluated: 2018-11-14. Review status: criteria provided, single submitter. Criteria: ACMG Guidelines, 2015. Collection method: clinical testing. Allele origin: unknown. Affected: yes.
Comment: This variant was classified as: Uncertain significance. The available evidence on this variant's pathogenicity is insufficient or conflicting. The following ACMG criteria were applied in classifying this variant: PM2,PP3.

Dr. Peter K. Rogan Lab, Western University
No classification provided (evidence only). Condition: Ovarian serous cystadenocarcinoma. Review status: no classification provided. Collection method: in vitro. Allele origin: not applicable. Functional consequence: retained intron. Not counted in ClinVar's aggregate classification.

Dr. Peter K. Rogan Lab, Western University
No classification provided (evidence only). Condition: Ovarian serous cystadenocarcinoma. Review status: no classification provided. Collection method: in vitro. Allele origin: not applicable. Functional consequence: retained intron. Not counted in ClinVar's aggregate classification.

NM_001670.3(ARVCF):c.2439-2A>C

Gene: ARVCF (ARVCF delta catenin family member; minus strand). Cytogenetic location: 22q11.21.
Variant type: single nucleotide variant.
Coding change: c.2439-2A>C on transcript NM_001670.3 (MANE Select); the canonical splice acceptor site of the intron before coding-DNA position 2439, A replaced by C.
Molecular consequence: splice acceptor variant.
Genome position (GRCh38, 1-based): chr22:19,973,038, T>G on the plus strand (A>C on the coding strand, the complement: ARVCF is on the minus strand). VCF-style: chr22-19973038-T-G. GRCh37 (hg19) VCF-style: chr22-19960561-T-G.
Other names: NC_000022.10:g.19960561T>G; c.2232-2A>C (NM_001410839.1).
Identifiers: ClinVar variation 930993 (VCV000930993.4), dbSNP rs1942919466, ClinGen allele CA410694941.